The following is an entry in ClinVar:

ClinVar aggregate classification (germline): Uncertain significance. Review status: criteria provided, multiple submitters, no conflicts (2 of 4 stars). 2 submissions from 2 submitters: Uncertain significance (2). Last evaluated 2024-01-08.

Conditions:
Macrothrombocytopenia and granulocyte inclusions with or without nephritis or sensorineural hearing loss (MATINS). Also called: BLEEDING DISORDER, PLATELET-TYPE, 6; MACROTHROMBOCYTOPENIA WITH LEUKOCYTE INCLUSIONS; SEBASTIAN PLATELET SYNDROME; MACROTHROMBOCYTOPENIA WITH DISPERSED LEUKOCYTIC INCLUSIONS; MACROTHROMBOCYTOPENIA, NEPHRITIS, AND DEAFNESS; MACROTHROMBOCYTOPENIA, NEPHRITIS, DEAFNESS, AND LEUKOCYTE INCLUSIONS. Identifiers: Orphanet 182050, MedGen C5200934, MONDO:0015912, OMIM 155100.
Autosomal dominant nonsyndromic hearing loss 17. Also called: Deafness, autosomal dominant 17; Autosomal dominant nonsyndromic deafness 17. Identifiers: Orphanet 90635, MedGen C1863659, MONDO:0011350, OMIM 603622.

Submissions (2):

Fulgent Genetics
Classification: Uncertain significance for Macrothrombocytopenia and granulocyte inclusions with or without nephritis or sensorineural hearing loss; Autosomal dominant nonsyndromic hearing loss 17. Last evaluated: 2024-01-08. Review status: criteria provided, single submitter. Criteria: ACMG Guidelines, 2015. Collection method: clinical testing. Allele origin: germline.

GeneDx
Classification: Uncertain significance. Last evaluated: 2022-08-09. Review status: criteria provided, single submitter. Criteria: GeneDx Variant Classification Process June 2021. Collection method: clinical testing. Allele origin: germline. Affected: yes.
Comment: Not observed at significant frequency in large population cohorts (gnomAD); Nonsense variant predicted to result in protein truncation or nonsense mediated decay in a gene or region of a gene for which loss of function is not a well-established mechanism of disease; Has not been previously published as pathogenic or benign to our knowledge

NM_002473.6(MYH9):c.2323C>T (p.Arg775Ter)

Gene: MYH9 (myosin heavy chain 9; minus strand). Cytogenetic location: 22q12.3.
Variant type: single nucleotide variant.
Coding change: c.2323C>T on transcript NM_002473.6 (MANE Select); coding-DNA position 2323, C replaced by T.
Protein change: p.Arg775Ter; replaces arginine 775 with a stop codon.
Molecular consequence: nonsense.
Genome position (GRCh38, 1-based): chr22:36,304,062, G>A on the plus strand (C>T on the coding strand, the complement: MYH9 is on the minus strand). VCF-style: chr22-36304062-G-A. GRCh37 (hg19) VCF-style: chr22-36700108-G-A.
Other names: short protein forms R775*.
Identifiers: ClinVar variation 2429688 (VCV002429688.2), dbSNP rs2517974567, ClinGen allele CA411396329.